The following is an entry in ClinVar:

NM_152641.4(ARID2):c.3927_3928del (p.Gly1310fs)

Gene: ARID2 (AT-rich interaction domain 2; plus strand). Cytogenetic location: 12q12.
Variant type: Deletion.
Coding change: c.3927_3928del on transcript NM_152641.4 (MANE Select); coding-DNA positions 3927 to 3928, 2 bases deleted (AG; older notation c.3927_3928delAG).
Protein change: p.Gly1310fs; shifts the reading frame from glycine 1310.
Molecular consequence: frameshift variant.
Genome position (GRCh38, 1-based): chr12:45,852,050-45,852,051, AG deleted. VCF-style (leftmost placement, unchanged base first): chr12-45852049-CAG-C. GRCh37 (hg19) VCF-style: chr12-46245832-CAG-C.
Other names: c.3927_3928del, p.Gly1310fs (NM_001347839.2); short protein forms G1310fs.
Identifiers: ClinVar variation 812669 (VCV000812669.6), dbSNP rs1592121202, ClinGen allele CA915948260.

ClinVar aggregate classification (germline): Likely pathogenic (1 of 4 stars; one submission).
ClinVar aggregate classification (somatic clinical impact): Tier II - Potential (1 of 4 stars; one submission).

Conditions:
Coffin-Siris syndrome 6. Identifiers: MedGen C4540499, MONDO:0033492, OMIM 617808.
Medulloblastoma non-WNT/non-SHH group 4. Identifiers: MedGen C4330666, MONDO:0956967.

Submissions (2):

Institute for Genomic Medicine (IGM) Clinical Laboratory, Nationwide Children's Hospital
Classification: Tier II - Potential for Medulloblastoma non-WNT/non-SHH group 4. Assertion type: diagnostic. Clinical significance: supports diagnosis. Last evaluated: 2025-04-18. Review status: criteria provided, single submitter. Criteria: AMP/ASCO/CAP Guidelines, 2017. Collection method: clinical testing. Allele origin: somatic. Affected: yes.
Comment: Variant has Tier II (potential) clinical significance as a diagnostic inclusion criterion in medulloblastoma non-WNT/non-SHH group 4, based on the following evidence: 1) Documented in one or more cancer databases (e.g., St. Jude Pecan, COSMIC, CIViC, OncoKB). 2) Information in the literature supports potential biologic effect of variant. 3) Diagnostic significance based on multiple small studies (Evidence Level C; PMIDs: 33172502, 28726821, 35489737, 31819232, 30196423).

Institute for Genomic Medicine (IGM) Clinical Laboratory, Nationwide Children's Hospital
Classification: Likely pathogenic for Coffin-Siris syndrome 6. Last evaluated: 2018-03-09. Review status: criteria provided, single submitter. Criteria: ACMG Guidelines, 2015. Collection method: clinical testing. Allele origin: inherited. Affected: yes.
Comment: [ACMG/AMP: PVS1, PM2]; This alteration leads to a premature protein termination and loss-of-function of the ARID2 gene (OMIM: 609539) [PVS1] that is absent from large-scale population databases, including gnomAD [PM2]. Loss-of-function variants in the ARID2 gene have been described in individuals with autosomal dominant Coffin-Siris syndrome 6 (OMIM:617808).

Literature cited by the submitters: PubMed 33172502; PubMed 28726821; PubMed 35489737; PubMed 31819232; PubMed 30196423; PubMed 28884947.